The following is an entry in ClinVar:

NM_201384.3(PLEC):c.2703C>T (p.Arg901=)

Gene: PLEC (plectin; minus strand). Cytogenetic location: 8q24.3.
Variant type: single nucleotide variant.
Coding change: c.2703C>T on transcript NM_201384.3 (MANE Select); coding-DNA position 2703, C replaced by T.
Protein change: p.Arg901=; no amino-acid change (arginine 901 retained).
Molecular consequence: synonymous variant.
Genome position (GRCh38, 1-based): chr8:143,929,972, G>A on the plus strand (C>T on the coding strand, the complement: PLEC is on the minus strand). VCF-style: chr8-143929972-G-A. GRCh37 (hg19) VCF-style: chr8-145004140-G-A.
Other names: p.Arg928=; c.2784C>T, p.Arg928= (NM_000445.5); c.2661C>T, p.Arg887= (NM_201378.4); c.2637C>T, p.Arg879= (NM_201379.3); c.3114C>T, p.Arg1038= (NM_201380.4); c.2607C>T, p.Arg869= (NM_201381.3); c.2703C>T, p.Arg901= (NM_201382.4); c.2715C>T, p.Arg905= (NM_201383.3).
Identifiers: ClinVar variation 706969 (VCV000706969.13), dbSNP rs201130558, ClinGen allele CA4927410.
Genomic context (GRCh38, chr8:143,929,972, plus strand): 5'-CCCCCGGCTCGGGGGCAGGCGTACCGTGGCCAGGGACCAGGAGCGGATGAGCTGCACGTC[G>A]CGGCGAAGGCTCTGCCAGGCCAGAAGGCTCTTCATGTCCACGTGCAACTGGTGCCACAGC-3'
Protein context (NP_958786.1, residues 891-911): KSLLAWQSLR[Arg901=]DVQLIRSWSL

ClinVar aggregate classification (germline): Likely benign. Review status: criteria provided, multiple submitters, no conflicts (2 of 4 stars). 3 submissions from 3 submitters: Likely benign (2). 1 of the submissions does not count toward it. Last evaluated 2025-12-10.

Conditions:
PLEC-related disorder. Also called: PLEC-related condition; PLEC-related disorders.
Epidermolysis bullosa simplex 5C, with pyloric atresia (EBS5C). Also called: PLEC-Related Epidermolysis Bullosa with Pyloric Atresia; Epidermolysis bullosa simplex with pyloric atresia; PLEC1-Related Epidermolysis Bullosa with Pyloric Atresia. Identifiers: Orphanet 158684, MedGen C2677349, MONDO:0012807, OMIM 612138.
Autosomal recessive limb-girdle muscular dystrophy type 2Q (LGMDR17). Also called: MUSCULAR DYSTROPHY, LIMB-GIRDLE, AUTOSOMAL RECESSIVE 17. Identifiers: Orphanet 254361, MedGen C3150989, MONDO:0013390, OMIM 613723.
Epidermolysis bullosa simplex with nail dystrophy (EBS5D). Identifiers: MedGen C4225309, MONDO:0014661, OMIM 616487.
Epidermolysis bullosa simplex 5B, with muscular dystrophy (EBS5B). Also called: EPIDERMOLYSIS BULLOSA SIMPLEX AND LIMB-GIRDLE MUSCULAR DYSTROPHY; Epidermolysis bullosa simplex with muscular dystrophy. Identifiers: Orphanet 257, MedGen C2931072, MONDO:0009181, OMIM 226670.
Epidermolysis bullosa simplex, Ogna type (EBS5A). Also called: Pidermolysis bullosa simplex 5A, Ogna type; EPIDERMOLYSIS BULLOSA SIMPLEX 5A, OGNA TYPE. Identifiers: Orphanet 79401, MedGen C0432317, MONDO:0007555, OMIM 131950.

Allele frequency attached by ClinVar (database versions not stated): gnomAD 0.00042 and 0.00040; ESP Exome Variant Server 0.00047; gnomAD exomes 0.00010 and 0.00005; ExAC 0.00017; 1000 Genomes Project 30x 0.00031; TOPMed 0.00039; 1000 Genomes Project 0.00040.
gnomAD v4.1: 134 of 1,611,466 alleles (0.0083%); highest among the groups gnomAD compares: African/African-American, 0.15%; no homozygotes.

Submissions (3):

Labcorp Genetics (formerly Invitae), Labcorp
Classification: Likely benign for Autosomal recessive limb-girdle muscular dystrophy type 2Q; Epidermolysis bullosa simplex, Ogna type; Epidermolysis bullosa simplex with nail dystrophy; Epidermolysis bullosa simplex 5C, with pyloric atresia; Epidermolysis bullosa simplex 5B, with muscular dystrophy. Last evaluated: 2025-12-10. Review status: criteria provided, single submitter. Criteria: Invitae Variant Classification Sherloc (09022015). Collection method: clinical testing. Allele origin: germline.

Mayo Clinic Laboratories, Mayo Clinic
Classification: Likely benign. Last evaluated: 2025-05-23. Review status: criteria provided, single submitter. Criteria: ACMG Guidelines, 2015. Collection method: clinical testing. Allele origin: germline. Observed: 1 variant allele.
Comment: BS1, BP4, BP7

PreventionGenetics, part of Exact Sciences
Classification: Likely benign for PLEC-related condition. Last evaluated: 2020-12-16. Review status: no assertion criteria provided. Collection method: clinical testing. Allele origin: germline. Not counted in ClinVar's aggregate classification.
Comment: This variant is classified as likely benign based on ACMG/AMP sequence variant interpretation guidelines (Richards et al. 2015 PMID: 25741868, with internal and published modifications).